The following is an entry in ClinVar:

ClinVar aggregate classification (germline): Uncertain significance. Review status: criteria provided, multiple submitters, no conflicts (2 of 4 stars). 2 submissions from 2 submitters: Uncertain significance (2). Last evaluated 2026-05-08.

Allele frequency attached by ClinVar (database versions not stated): 1000 Genomes Project 0.00060; 1000 Genomes Project 30x 0.00062; gnomAD 0.00105; TOPMed 0.00109; ExAC 0.00125; ESP Exome Variant Server 0.00138; gnomAD exomes 0.00149.
gnomAD v4.1: 2,335 of 1,613,756 alleles (0.14%); highest among the groups gnomAD compares: Non-Finnish European, 0.18%; 9 homozygotes.

Submissions (2):

Women's Health and Genetics/Laboratory Corporation of America, LabCorp
Classification: Uncertain significance. Last evaluated: 2026-05-08. Review status: criteria provided, single submitter. Criteria: LabCorp Variant Classification Summary - May 2015. Collection method: clinical testing. Allele origin: germline.
Comment: Variant summary: FCGR2A c.940A>G (p.Ser314Gly) results in a non-conservative amino acid change in the encoded protein sequence. Algorithms developed to predict the effect of missense changes on protein structure and function are either unavailable or do not agree on the potential impact of this missense change. The variant allele was found at a frequency of 0.0011 in 251064 control chromosomes. This frequency is not significantly higher than estimated for disease-causing variants in FCGR2A, allowing no conclusion about variant significance. To our knowledge, no occurrence of c.940A>G in individuals affected with FCGR2A-related conditions and no experimental evidence demonstrating its impact on protein function have been reported. ClinVar contains an entry for this variant (Variation ID: 2672366). Based on the evidence outlined above, the variant was classified as uncertain significance.

CeGaT Center for Human Genetics Tuebingen
Classification: Uncertain significance. Last evaluated: 2023-11-01. Review status: criteria provided, single submitter. Criteria: CeGaT Center For Human Genetics Tuebingen Variant Classification Criteria Version 2. Collection method: clinical testing. Allele origin: germline. Affected: yes. Observed: 1 variant allele.
Comment: FCGR2A: PP2, BP4

NM_001136219.3(FCGR2A):c.943A>G (p.Ser315Gly)

Gene: FCGR2A (Fc gamma receptor IIa; plus strand). Cytogenetic location: 1q23.3.
Variant type: single nucleotide variant.
Coding change: c.943A>G on transcript NM_001136219.3 (MANE Select); coding-DNA position 943, A replaced by G.
Protein change: p.Ser315Gly; replaces serine 315 with glycine.
Molecular consequence: missense variant.
Genome position (GRCh38, 1-based): chr1:161,518,137, A>G. VCF-style: chr1-161518137-A-G. GRCh37 (hg19) VCF-style: chr1-161487927-A-G.
Other names: c.820A>G, p.Ser274Gly (NM_001375296.1); c.817A>G, p.Ser273Gly (NM_001375297.1); c.940A>G, p.Ser314Gly (NM_021642.5); short protein forms S273G, S274G, S314G, S315G.
Identifiers: ClinVar variation 2672366 (VCV002672366.24), dbSNP rs148465413, ClinGen allele CA1210829.